The following is an entry in ClinVar:

ClinVar aggregate classification (germline): Benign (1 of 4 stars; one submission).

Conditions:
Leigh syndrome (NULS). Also called: Leigh's necrotizing encephalopathy; Leigh's disease; Leigh's syndrome; LEIGH SYNDROME, NUCLEAR; Leigh Syndrome (mtDNA deletion); Leigh Disease. Identifiers: Orphanet 506, MedGen C2931891, MONDO:0009723, OMIM 256000.

Submission:

Wong Mito Lab, Molecular and Human Genetics, Baylor College of Medicine
Classification: Benign for Leigh syndrome. Last evaluated: 2019-10-17. Review status: criteria provided, single submitter. Criteria: Modified ACMG Guidelines (Unpublished). Collection method: clinical testing. Allele origin: germline.
Comment: The NC_012920.1:m.15852T>C (YP_003024038.1:p.Ile369Thr) variant in MTCYB gene is interpretated to be a Benign variant based on the modified ACMG guidelines (unpublished). This variant meets the following evidence codes: BS1, BS2, BP4

NC_012920.1(MT-CYB):m.15852T>C

Gene: MT-CYB (mitochondrially encoded cytochrome b; plus strand).
Variant type: single nucleotide variant.
Genome position: chrM-15852-T-C.
Identifiers: ClinVar variation 693967 (VCV000693967.1), dbSNP rs1603225544, ClinGen allele CA913175021.